The following is an entry in ClinVar:

ClinVar aggregate classification (germline): Uncertain significance (1 of 4 stars; one submission).

Conditions:
Inborn genetic diseases. Identifiers: MedGen C0950123, MeSH D030342.

Submission:

Ambry Genetics
Classification: Uncertain significance for Inborn genetic diseases. Last evaluated: 2022-02-01. Review status: criteria provided, single submitter. Criteria: Ambry Variant Classification Scheme 2023. Collection method: clinical testing. Allele origin: germline.
Comment: The p.T61I variant (also known as c.182C>T), located in coding exon 2 of the MDH2 gene, results from a C to T substitution at nucleotide position 182. The threonine at codon 61 is replaced by isoleucine, an amino acid with similar properties. This amino acid position is conserved. In addition, the in silico prediction for this alteration is inconclusive. Since supporting evidence is limited at this time, the clinical significance of this alteration remains unclear.

NM_005918.4(MDH2):c.182C>T (p.Thr61Ile)

Gene: MDH2 (malate dehydrogenase 2; plus strand). Cytogenetic location: 7q11.23.
Variant type: single nucleotide variant.
Coding change: c.182C>T on transcript NM_005918.4 (MANE Select); coding-DNA position 182, C replaced by T.
Protein change: p.Thr61Ile; replaces threonine 61 with isoleucine.
Molecular consequence: missense variant. On other transcripts: intron variant (1).
Genome position (GRCh38, 1-based): chr7:76,054,945, C>T. VCF-style: chr7-76054945-C-T. GRCh37 (hg19) VCF-style: chr7-75684263-C-T.
Other names: c.182C>T, p.Thr61Ile (NM_001282403.2); c.-86-2465C>T (NM_001282404.2); short protein forms T61I.
Identifiers: ClinVar variation 1780915 (VCV001780915.2), dbSNP rs2535852878, ClinGen allele CA367762574.